The following is an entry in ClinVar:

ClinVar aggregate classification (germline): Uncertain significance (1 of 4 stars; one submission).

Conditions:
Primary dilated cardiomyopathy (DCM). Also called: Dilated Cardiomyopathy. Identifiers: Orphanet 217604, MedGen C0007193, MeSH D002311, MONDO:0005021, HP:0001644. Inheritance: Various modes of inheritance.

Submission:

Labcorp Genetics (formerly Invitae), Labcorp
Classification: Uncertain significance for Primary dilated cardiomyopathy. Last evaluated: 2024-05-23. Review status: criteria provided, single submitter. Criteria: Invitae Variant Classification Sherloc (09022015). Collection method: clinical testing. Allele origin: germline.
Comment: This sequence change replaces tyrosine, which is neutral and polar, with cysteine, which is neutral and slightly polar, at codon 718 of the NEBL protein (p.Tyr718Cys). This variant is not present in population databases (gnomAD no frequency). This variant has not been reported in the literature in individuals affected with NEBL-related conditions. Algorithms developed to predict the effect of missense changes on protein structure and function output the following: SIFT: "Not Available"; PolyPhen-2: "Benign"; Align-GVGD: "Not Available". The cysteine amino acid residue is found in multiple mammalian species, which suggests that this missense change does not adversely affect protein function. In summary, the available evidence is currently insufficient to determine the role of this variant in disease. Therefore, it has been classified as a Variant of Uncertain Significance.

NM_006393.3(NEBL):c.2153A>G (p.Tyr718Cys)

Gene: NEBL (nebulette; minus strand). Cytogenetic location: 10p12.31.
Variant type: single nucleotide variant.
Coding change: c.2153A>G on transcript NM_006393.3 (MANE Select); coding-DNA position 2153, A replaced by G.
Protein change: p.Tyr718Cys; replaces tyrosine 718 with cysteine.
Molecular consequence: missense variant. On other transcripts: intron variant (9).
Genome position (GRCh38, 1-based): chr10:20,815,713, T>C on the plus strand (A>G on the coding strand, the complement: NEBL is on the minus strand). VCF-style: chr10-20815713-T-C. GRCh37 (hg19) VCF-style: chr10-21104642-T-C.
Other names: c.250-2773A>G (NM_001377326.1, NM_001377327.1, NM_001377328.1); c.358-2773A>G (NM_213569.2, NM_001173484.2, NM_001377322.1); c.301-2773A>G (NM_001377324.1); c.292-2773A>G (NM_001377325.1); c.310-2773A>G (NM_001377323.1); short protein forms Y718C.
Identifiers: ClinVar variation 3716268 (VCV003716268.2).